The following is an entry in ClinVar:

ClinVar aggregate classification (germline): Uncertain significance (1 of 4 stars; one submission).

Allele frequency attached by ClinVar (database versions not stated): gnomAD exomes below 0.00001; ExAC 0.00001.
gnomAD v4.1: 1 of 1,613,816 alleles (0.000062%); highest among the groups gnomAD compares: East Asian, 0.0022%; no homozygotes.

Submission:

Labcorp Genetics (formerly Invitae), Labcorp
Classification: Uncertain significance. Last evaluated: 2025-02-27. Review status: criteria provided, single submitter. Criteria: Invitae Variant Classification Sherloc (09022015). Collection method: clinical testing. Allele origin: germline.
Comment: This sequence change replaces tryptophan, which is neutral and slightly polar, with arginine, which is basic and polar, at codon 3391 of the VCAN protein (p.Trp3391Arg). This variant is present in population databases (rs759216311, gnomAD 0.006%). This variant has not been reported in the literature in individuals affected with VCAN-related conditions. ClinVar contains an entry for this variant (Variation ID: 1508340). An algorithm developed to predict the effect of missense changes on protein structure and function (PolyPhen-2) suggests that this variant is likely to be tolerated. In summary, the available evidence is currently insufficient to determine the role of this variant in disease. Therefore, it has been classified as a Variant of Uncertain Significance.

NM_004385.5(VCAN):c.10171T>A (p.Trp3391Arg)

Gene: VCAN (versican; plus strand). Cytogenetic location: 5q14.3.
Variant type: single nucleotide variant.
Coding change: c.10171T>A on transcript NM_004385.5 (MANE Select); coding-DNA position 10171, T replaced by A.
Protein change: p.Trp3391Arg; replaces tryptophan 3391 with arginine.
Molecular consequence: missense variant.
Genome position (GRCh38, 1-based): chr5:83,580,414, T>A. VCF-style: chr5-83580414-T-A. GRCh37 (hg19) VCF-style: chr5-82876233-T-A.
Other names: c.1948T>A, p.Trp650Arg (NM_001126336.3); c.7210T>A, p.Trp2404Arg (NM_001164097.2); c.4909T>A, p.Trp1637Arg (NM_001164098.2); short protein forms W3391R, W2404R, W650R, W1637R.
Identifiers: ClinVar variation 1508340 (VCV001508340.8), dbSNP rs759216311, ClinGen allele CA3334181.